The following is an entry in ClinVar:

NM_002693.3(POLG):c.2738G>A (p.Cys913Tyr)

Gene: POLG (DNA polymerase gamma, catalytic subunit; minus strand). Cytogenetic location: 15q26.1.
Variant type: single nucleotide variant.
Coding change: c.2738G>A on transcript NM_002693.3 (MANE Select); coding-DNA position 2738, G replaced by A.
Protein change: p.Cys913Tyr; replaces cysteine 913 with tyrosine.
Molecular consequence: missense variant.
Genome position (GRCh38, 1-based): chr15:89,321,009, C>T on the plus strand (G>A on the coding strand, the complement: POLG is on the minus strand). VCF-style: chr15-89321009-C-T. GRCh37 (hg19) VCF-style: chr15-89864240-C-T.
Other names: p.Cys913Tyr; c.2738G>A, p.Cys913Tyr (NM_001126131.2); short protein forms C913Y.
Identifiers: ClinVar variation 1687691 (VCV001687691.3), dbSNP rs1393973718, ClinGen allele CA393753345.
Genomic context (GRCh38, chr15:89,321,009, plus strand): 5'-CTGTGTAGATCAGTGCCCCTGCTCTTCCTGCCCTGCAGTGTCATCCACCCAAAGGCTGTG[C>T]AGCCTGGAAGACAAGCAGGAGTGAGAAAAGCAGCTCAGGAACATTCTGCCCAATGTTCAT-3'
Protein context (NP_002684.1, residues 903-923): GDAHFAGMHG[Cys913Tyr]TAFGWMTLQG

ClinVar aggregate classification (germline): Uncertain significance. Review status: criteria provided, multiple submitters, no conflicts (2 of 4 stars). 2 submissions from 2 submitters: Uncertain significance (2). Last evaluated 2024-04-11.

Allele frequency attached by ClinVar (database versions not stated): TOPMed below 0.00001; gnomAD 0.00001.
gnomAD v4.1: 2 of 1,613,990 alleles (0.00012%); highest among the groups gnomAD compares: Non-Finnish European, 0.00017%; no homozygotes.

Submissions (2):

Mayo Clinic Laboratories, Mayo Clinic
Classification: Uncertain significance. Last evaluated: 2024-04-11. Review status: criteria provided, single submitter. Criteria: ACMG Guidelines, 2015. Collection method: clinical testing. Allele origin: germline. Observed: 1 variant allele.
Comment: PP3, PM2_moderate

GeneDx
Classification: Uncertain significance. Last evaluated: 2022-05-24. Review status: criteria provided, single submitter. Criteria: GeneDx Variant Classification Process June 2021. Collection method: clinical testing. Allele origin: germline. Affected: yes.
Comment: Not observed at significant frequency in large population cohorts (gnomAD); In silico analysis supports that this missense variant has a deleterious effect on protein structure/function; Has not been previously published as pathogenic or benign to our knowledge